The following is an entry in ClinVar:

ClinVar aggregate classification (germline): Uncertain significance (1 of 4 stars; one submission).

Submission:

Labcorp Genetics (formerly Invitae), Labcorp
Classification: Uncertain significance. Last evaluated: 2021-03-31. Review status: criteria provided, single submitter. Criteria: Invitae Variant Classification Sherloc (09022015). Collection method: clinical testing. Allele origin: germline.
Comment: This sequence change replaces leucine with isoleucine at codon 1813 of the COL7A1 protein (p.Leu1813Ile). The leucine residue is highly conserved and there is a small physicochemical difference between leucine and isoleucine. This variant is not present in population databases (ExAC no frequency). This variant has not been reported in the literature in individuals with COL7A1-related conditions. Advanced modeling of protein sequence and biophysical properties (such as structural, functional, and spatial information, amino acid conservation, physicochemical variation, residue mobility, and thermodynamic stability) performed at Invitae indicates that this missense variant is not expected to disrupt COL7A1 protein function. In summary, the available evidence is currently insufficient to determine the role of this variant in disease. Therefore, it has been classified as a Variant of Uncertain Significance.

NM_000094.4(COL7A1):c.5437C>A (p.Leu1813Ile)

Gene: COL7A1 (collagen type VII alpha 1 chain; minus strand). Cytogenetic location: 3p21.31.
Variant type: single nucleotide variant.
Coding change: c.5437C>A on transcript NM_000094.4 (MANE Select); coding-DNA position 5437, C replaced by A.
Protein change: p.Leu1813Ile; replaces leucine 1813 with isoleucine.
Molecular consequence: missense variant.
Genome position (GRCh38, 1-based): chr3:48,578,503, G>T on the plus strand (C>A on the coding strand, the complement: COL7A1 is on the minus strand). VCF-style: chr3-48578503-G-T. GRCh37 (hg19) VCF-style: chr3-48615936-G-T.
Other names: short protein forms L1813I.
Identifiers: ClinVar variation 1521754 (VCV001521754.8), dbSNP rs2107692288, ClinGen allele CA352672969.